The following is an entry in ClinVar:

NM_006949.4(STXBP2):c.1108-5C>T

Gene: STXBP2 (syntaxin binding protein 2; plus strand). Cytogenetic location: 19p13.2.
Variant type: single nucleotide variant.
Coding change: c.1108-5C>T on transcript NM_006949.4 (MANE Select); 5 bases into the intron before coding-DNA position 1108, C replaced by T.
Molecular consequence: intron variant.
Genome position (GRCh38, 1-based): chr19:7,644,609, C>T. VCF-style: chr19-7644609-C-T. GRCh37 (hg19) VCF-style: chr19-7709495-C-T.
Other names: p.?; c.1141-5C>T (NM_001272034.2); c.1099-5C>T (NM_001127396.3).
Identifiers: ClinVar variation 1093883 (VCV001093883.11), dbSNP rs200577190, ClinGen allele CA9143997.

ClinVar aggregate classification (germline): Likely benign. Review status: criteria provided, multiple submitters, no conflicts (2 of 4 stars). 3 submissions from 3 submitters: Likely benign (3). Last evaluated 2026-02-01.

Conditions:
Familial hemophagocytic lymphohistiocytosis 5. Also called: STXBP2-Related Familial Hemophagocytic Lymphohistiocytosis (STXBP2-fHLH). Identifiers: Orphanet 540, MedGen C2751293, MONDO:0013135, OMIM 613101.

Allele frequency attached by ClinVar (database versions not stated): gnomAD 0.00003 and 0.00005; gnomAD exomes 0.00003 and 0.00004; ExAC 0.00005; TOPMed 0.00005; ESP Exome Variant Server 0.00008; 1000 Genomes Project 30x 0.00031; 1000 Genomes Project 0.00040.
gnomAD v4.1: 62 of 1,611,856 alleles (0.0038%); highest among the groups gnomAD compares: African/African-American, 0.017%; no homozygotes.

Submissions (3):

Labcorp Genetics (formerly Invitae), Labcorp
Classification: Likely benign for Familial hemophagocytic lymphohistiocytosis 5. Last evaluated: 2026-02-01. Review status: criteria provided, single submitter. Criteria: Invitae Variant Classification Sherloc (09022015). Collection method: clinical testing. Allele origin: germline.

Mayo Clinic Laboratories, Mayo Clinic
Classification: Likely benign. Last evaluated: 2025-09-17. Review status: criteria provided, single submitter. Criteria: ACMG Guidelines, 2015. Collection method: clinical testing. Allele origin: germline. Observed: 1 variant allele.
Comment: BP4, BP7

Blueprint Genetics
Classification: Likely benign. Last evaluated: 2024-11-05. Review status: criteria provided, single submitter. Criteria: ACMG Guidelines, 2015. Collection method: clinical testing. Allele origin: germline.